The following is an entry in ClinVar:

NM_152464.3(VMA12):c.359G>A (p.Arg120His)

Gene: VMA12 (vacuolar ATPase assembly factor VMA12; plus strand). Cytogenetic location: 17q11.2.
Variant type: single nucleotide variant.
Coding change: c.359G>A on transcript NM_152464.3 (MANE Select); coding-DNA position 359, G replaced by A.
Protein change: p.Arg120His; replaces arginine 120 with histidine.
Molecular consequence: missense variant.
Genome position (GRCh38, 1-based): chr17:28,359,388, G>A. VCF-style: chr17-28359388-G-A. GRCh37 (hg19) VCF-style: chr17-26686411-G-A.
Other names: short protein forms R120H.
Identifiers: ClinVar variation 3458073 (VCV003458073.3).

ClinVar aggregate classification (germline): Uncertain significance. Review status: criteria provided, multiple submitters, no conflicts (2 of 4 stars). 2 submissions from 2 submitters: Uncertain significance (2). Last evaluated 2024-09-04.

Conditions:
Inborn genetic diseases. Identifiers: MedGen C0950123, MeSH D030342.

gnomAD v4.1: 84 of 1,613,892 alleles (0.0052%); highest among the groups gnomAD compares: East Asian, 0.016%; 1 homozygote.

Submissions (2):

Labcorp Genetics (formerly Invitae), Labcorp
Classification: Uncertain significance. Last evaluated: 2024-09-04. Review status: criteria provided, single submitter. Criteria: Invitae Variant Classification Sherloc (09022015). Collection method: clinical testing. Allele origin: germline.
Comment: This sequence change replaces arginine, which is basic and polar, with histidine, which is basic and polar, at codon 120 of the TMEM199 protein (p.Arg120His). This variant is present in population databases (rs782759610, gnomAD 0.007%). This variant has not been reported in the literature in individuals affected with TMEM199-related conditions. An algorithm developed to predict the effect of missense changes on protein structure and function outputs the following: PolyPhen-2: "Benign". The histidine amino acid residue is found in multiple mammalian species, which suggests that this missense change does not adversely affect protein function. In summary, the available evidence is currently insufficient to determine the role of this variant in disease. Therefore, it has been classified as a Variant of Uncertain Significance.

Ambry Genetics
Classification: Uncertain significance for Inborn genetic diseases. Last evaluated: 2024-08-26. Review status: criteria provided, single submitter. Criteria: Ambry Variant Classification Scheme 2023. Collection method: clinical testing. Allele origin: germline.